The following is an entry in ClinVar:

ClinVar aggregate classification (germline): Likely benign (1 of 4 stars; one submission).

Submission:

Laboratory for Molecular Medicine, Mass General Brigham Personalized Medicine
Classification: Likely benign. Last evaluated: 2016-05-23. Review status: criteria provided, single submitter. Criteria: LMM Criteria. Collection method: clinical testing. Allele origin: germline. Observed: 1 variant allele.
Comment: p.Phe197Phe in exon 1 of POU3F4: This variant is not expected to have clinical s ignificance because it does not alter an amino acid residue and is not located w ithin the splice consensus sequence.

NM_000307.5(POU3F4):c.591C>T (p.Phe197=)

Gene: POU3F4 (POU class 3 homeobox 4; plus strand). Cytogenetic location: Xq21.1.
Variant type: single nucleotide variant.
Coding change: c.591C>T on transcript NM_000307.5 (MANE Select); coding-DNA position 591, C replaced by T.
Protein change: p.Phe197=; no amino-acid change (phenylalanine 197 retained).
Molecular consequence: synonymous variant.
Genome position (GRCh38, 1-based): chrX:83,508,915, C>T. VCF-style: chrX-83508915-C-T. GRCh37 (hg19) VCF-style: chrX-82763923-C-T.
Identifiers: ClinVar variation 505069 (VCV000505069.5), dbSNP rs1555984566, ClinGen allele CA517479318.